The following is an entry in ClinVar:

ClinVar aggregate classification (germline): Uncertain significance (1 of 4 stars; one submission).

Allele frequency attached by ClinVar (database versions not stated): gnomAD 0.00001; ExAC 0.00002; gnomAD exomes 0.00002.
gnomAD v4.1: 28 of 1,576,664 alleles (0.0018%); highest among the groups gnomAD compares: Non-Finnish European, 0.0022%; no homozygotes.

Submission:

Labcorp Genetics (formerly Invitae), Labcorp
Classification: Uncertain significance. Last evaluated: 2024-07-01. Review status: criteria provided, single submitter. Criteria: Invitae Variant Classification Sherloc (09022015). Collection method: clinical testing. Allele origin: germline.
Comment: This sequence change replaces arginine, which is basic and polar, with tryptophan, which is neutral and slightly polar, at codon 23 of the EDNRB protein (p.Arg23Trp). This variant is present in population databases (rs769618877, gnomAD 0.005%). This variant has not been reported in the literature in individuals affected with EDNRB-related conditions. ClinVar contains an entry for this variant (Variation ID: 1503608). An algorithm developed to predict the effect of missense changes on protein structure and function (PolyPhen-2) suggests that this variant is likely to be tolerated. In summary, the available evidence is currently insufficient to determine the role of this variant in disease. Therefore, it has been classified as a Variant of Uncertain Significance.

NM_001122659.3(EDNRB):c.67C>T (p.Arg23Trp)

Gene: EDNRB (endothelin receptor type B; minus strand). Cytogenetic location: 13q22.3.
Variant type: single nucleotide variant.
Coding change: c.67C>T on transcript NM_001122659.3 (MANE Select); coding-DNA position 67, C replaced by T.
Protein change: p.Arg23Trp; replaces arginine 23 with tryptophan.
Molecular consequence: missense variant.
Genome position (GRCh38, 1-based): chr13:77,918,507, G>A on the plus strand (C>T on the coding strand, the complement: EDNRB is on the minus strand). VCF-style: chr13-77918507-G-A. GRCh37 (hg19) VCF-style: chr13-78492642-G-A.
Other names: c.67C>T, p.Arg23Trp (NM_000115.5, NM_003991.4); c.337C>T, p.Arg113Trp (NM_001201397.2); short protein forms R113W, R23W.
Identifiers: ClinVar variation 1503608 (VCV001503608.8), dbSNP rs769618877, ClinGen allele CA7012401.
Genomic context (GRCh38, chr13:77,918,507, plus strand): 5'-CGGTTTGCAAAAGCGGAGTGGCCCTGTCAGGCGGGAAGCCTCTCTCCTCTCCCCAGATCC[G>A]CGACAGGCCGCAGGCAAGAACCAGCGCAACCAGGGCGCGTCCGCACAGACTTGGAGGCGG-3'
Protein context (NP_001116131.1, residues 13-33): VALVLACGLS[Arg23Trp]IWGEERGFPP